The following is an entry in ClinVar:

ClinVar aggregate classification (germline): Conflicting classifications of pathogenicity. Review status: criteria provided, conflicting classifications (1 of 4 stars). 2 submissions from 2 submitters: Uncertain significance (1); Benign (1). Last evaluated 2025-07-22.

Conditions:
Hereditary cancer-predisposing syndrome. Also called: Hereditary neoplastic syndrome; Neoplastic Syndromes, Hereditary; Tumor predisposition; Hereditary Cancer Syndrome. Identifiers: Orphanet 140162, MedGen C0027672, MeSH D009386, MONDO:0015356.
Cardiovascular phenotype. Identifiers: MedGen CN230736.
Neurofibromatosis, type 1 (NF1). Also called: NEUROFIBROMATOSIS, TYPE I, SOMATIC; Peripheral type neurofibromatosis; VON RECKLINGHAUSEN DISEASE; Neurofibromatosis, type I. Identifiers: Orphanet 636, MedGen C0027831, MONDO:0018975, OMIM 162200. Disease mechanism: loss of function.

Allele frequency attached by ClinVar (database versions not stated): gnomAD exomes 0.00001; ExAC 0.00003.
gnomAD v4.1: 11 of 1,613,172 alleles (0.00068%); highest among the groups gnomAD compares: South Asian, 0.012%; no homozygotes.

Submissions (2):

Ambry Genetics
Classification: Benign for Cardiovascular phenotype; Hereditary cancer-predisposing syndrome. Last evaluated: 2025-07-22. Review status: criteria provided, single submitter. Criteria: Ambry Variant Classification Scheme 2023. Collection method: clinical testing. Allele origin: germline.

Labcorp Genetics (formerly Invitae), Labcorp
Classification: Uncertain significance for Neurofibromatosis, type 1. Last evaluated: 2025-05-13. Review status: criteria provided, single submitter. Criteria: Invitae Variant Classification Sherloc (09022015). Collection method: clinical testing. Allele origin: germline.
Comment: This sequence change falls in intron 20 of the NF1 gene. It does not directly change the encoded amino acid sequence of the NF1 protein. It affects a nucleotide within the consensus splice site. This variant is present in population databases (rs763688567, gnomAD 0.01%). This variant has not been reported in the literature in individuals affected with NF1-related conditions. ClinVar contains an entry for this variant (Variation ID: 1002598). Variants that disrupt the consensus splice site are a relatively common cause of aberrant splicing (PMID: 17576681, 9536098). Algorithms developed to predict the effect of sequence changes on RNA splicing suggest that this variant is not likely to affect RNA splicing. In summary, the available evidence is currently insufficient to determine the role of this variant in disease. Therefore, it has been classified as a Variant of Uncertain Significance.

Literature cited by the submitters: PubMed 17576681 (cited by Labcorp Genetics (formerly Invitae), Labcorp); PubMed 9536098 (cited by Labcorp Genetics (formerly Invitae), Labcorp).

NM_001042492.3(NF1):c.2409+5G>C

Gene: NF1 (neurofibromin 1; plus strand). Cytogenetic location: 17q11.2.
Variant type: single nucleotide variant.
Coding change: c.2409+5G>C on transcript NM_001042492.3 (MANE Select); 5 bases into the intron after coding-DNA position 2409, G replaced by C.
Molecular consequence: intron variant.
Genome position (GRCh38, 1-based): chr17:31,227,611, G>C. VCF-style: chr17-31227611-G-C. GRCh37 (hg19) VCF-style: chr17-29554629-G-C.
Other names: c.2409+5G>C (NM_000267.3, NM_000267.4).
Identifiers: ClinVar variation 1002598 (VCV001002598.6), dbSNP rs763688567, ClinGen allele CA8485974.